The following is an entry in ClinVar:

NM_000629.3(IFNAR1):c.1633G>A (p.Glu545Lys)

Gene: IFNAR1 (interferon alpha and beta receptor subunit 1; plus strand). Cytogenetic location: 21q22.11.
Variant type: single nucleotide variant.
Coding change: c.1633G>A on transcript NM_000629.3 (MANE Select); coding-DNA position 1633, G replaced by A.
Protein change: p.Glu545Lys; replaces glutamic acid 545 with lysine.
Molecular consequence: missense variant. On other transcripts: 3 prime UTR variant (1).
Genome position (GRCh38, 1-based): chr21:33,355,508, G>A. VCF-style: chr21-33355508-G-A. GRCh37 (hg19) VCF-style: chr21-34727814-G-A.
Other names: c.1633G>A, p.Glu545Lys (NM_001384498.1); c.*182G>A (NM_001384499.1); c.871G>A, p.Glu291Lys (NM_001384500.1); c.1603G>A, p.Glu535Lys (NM_001384501.1); c.1171G>A, p.Glu391Lys (NM_001384502.1); c.1618G>A, p.Glu540Lys (NM_001384503.1); c.1426G>A, p.Glu476Lys (NM_001384504.1); short protein forms E391K, E535K, E291K, E545K, E476K, E540K.
Identifiers: ClinVar variation 2965358 (VCV002965358.1), dbSNP rs558227564, ClinGen allele CA10006804.

ClinVar aggregate classification (germline): Uncertain significance (1 of 4 stars; one submission).

Allele frequency attached by ClinVar (database versions not stated): ExAC 0.00001; gnomAD 0.00003; TOPMed 0.00003.
gnomAD v4.1: 20 of 1,601,820 alleles (0.0012%); highest among the groups gnomAD compares: Non-Finnish European, 0.0016%; no homozygotes.

Submission:

Labcorp Genetics (formerly Invitae), Labcorp
Classification: Uncertain significance. Last evaluated: 2023-12-09. Review status: criteria provided, single submitter. Criteria: Invitae Variant Classification Sherloc (09022015). Collection method: clinical testing. Allele origin: germline.
Comment: This sequence change replaces glutamic acid, which is acidic and polar, with lysine, which is basic and polar, at codon 545 of the IFNAR1 protein (p.Glu545Lys). The frequency data for this variant in the population databases is considered unreliable, as metrics indicate poor data quality at this position in the gnomAD database. This variant has not been reported in the literature in individuals affected with IFNAR1-related conditions. An algorithm developed to predict the effect of missense changes on protein structure and function (PolyPhen-2) suggests that this variant¬†is likely to be tolerated. In summary, the available evidence is currently insufficient to determine the role of this variant in disease. Therefore, it has been classified as a Variant of Uncertain Significance.